The following is an entry in ClinVar:

ClinVar aggregate classification (germline): Uncertain significance (1 of 4 stars; one submission).

Allele frequency attached by ClinVar (database versions not stated): gnomAD exomes below 0.00001; TOPMed below 0.00001; gnomAD 0.00001.
gnomAD v4.1: 3 of 1,614,106 alleles (0.00019%); highest among the groups gnomAD compares: African/African-American, 0.0013%; no homozygotes.

Submission:

Labcorp Genetics (formerly Invitae), Labcorp
Classification: Uncertain significance. Last evaluated: 2025-02-06. Review status: criteria provided, single submitter. Criteria: Invitae Variant Classification Sherloc (09022015). Collection method: clinical testing. Allele origin: germline.
Comment: This sequence change replaces proline, which is neutral and non-polar, with leucine, which is neutral and non-polar, at codon 3017 of the SRCAP protein (p.Pro3017Leu). This variant is not present in population databases (gnomAD no frequency). This variant has not been reported in the literature in individuals affected with SRCAP-related conditions. ClinVar contains an entry for this variant (Variation ID: 2070546). Invitae Evidence Modeling of protein sequence and biophysical properties (such as structural, functional, and spatial information, amino acid conservation, physicochemical variation, residue mobility, and thermodynamic stability) indicates that this missense variant is not expected to disrupt SRCAP protein function with a negative predictive value of 80%. In summary, the available evidence is currently insufficient to determine the role of this variant in disease. Therefore, it has been classified as a Variant of Uncertain Significance.

NM_006662.3(SRCAP):c.9050C>T (p.Pro3017Leu)

Gene: SRCAP (Snf2 related CREBBP activator protein; plus strand). Cytogenetic location: 16p11.2.
Variant type: single nucleotide variant.
Coding change: c.9050C>T on transcript NM_006662.3 (MANE Select); coding-DNA position 9050, C replaced by T.
Protein change: p.Pro3017Leu; replaces proline 3017 with leucine.
Molecular consequence: missense variant.
Genome position (GRCh38, 1-based): chr16:30,739,090, C>T. VCF-style: chr16-30739090-C-T. GRCh37 (hg19) VCF-style: chr16-30750411-C-T.
Other names: short protein forms P3017L.
Identifiers: ClinVar variation 2070546 (VCV002070546.4), dbSNP rs1456235567, ClinGen allele CA395642591.